The following is an entry in ClinVar:

NM_006361.6(HOXB13):c.609C>T (p.Ser203=)

Gene: HOXB13 (homeobox B13; minus strand). Cytogenetic location: 17q21.32.
Variant type: single nucleotide variant.
Coding change: c.609C>T on transcript NM_006361.6 (MANE Select); coding-DNA position 609, C replaced by T.
Protein change: p.Ser203=; no amino-acid change (serine 203 retained).
Molecular consequence: synonymous variant.
Genome position (GRCh38, 1-based): chr17:48,727,036, G>A on the plus strand (C>T on the coding strand, the complement: HOXB13 is on the minus strand). VCF-style: chr17-48727036-G-A. GRCh37 (hg19) VCF-style: chr17-46804398-G-A.
Identifiers: ClinVar variation 3225544 (VCV003225544.2), dbSNP rs1343659361, ClinGen allele CA500501384.
Genomic context (GRCh38, chr17:48,727,036, plus strand): 5'-GTACGGAATGCGTTTCTTGCGGCCGCGACGAAAGGCGCAGGCGTCAGGAGGGTGCTGCCC[G>A]CTGGAGTCTGCGCGGCGTGAAAGGGAGGGAGGAAAAGGCATGGTCAGATACCCACCCATG-3'
Protein context (NP_006352.2, residues 193-213): PFWKAAFADS[Ser203=]GQHPPDACAF

ClinVar aggregate classification (germline): Benign/Likely benign. Review status: criteria provided, multiple submitters, no conflicts (2 of 4 stars). 2 submissions from 2 submitters: Benign (1); Likely benign (1). Last evaluated 2024-10-30.

Conditions:
Prostate cancer, hereditary, 9 (HPC9). Identifiers: Orphanet 1331, MedGen C1970250, MONDO:0012597, OMIM 610997.
Hereditary cancer-predisposing syndrome. Also called: Neoplastic Syndromes, Hereditary; Tumor predisposition; Hereditary neoplastic syndrome; Hereditary Cancer Syndrome. Identifiers: Orphanet 140162, MedGen C0027672, MeSH D009386, MONDO:0015356.

gnomAD v4.1: 3 of 1,605,986 alleles (0.00019%); highest among the groups gnomAD compares: Non-Finnish European, 0.00017%; no homozygotes.

Submissions (2):

Myriad Genetics, Inc.
Classification: Benign for Prostate cancer, hereditary, 9. Last evaluated: 2024-10-30. Review status: criteria provided, single submitter. Criteria: Myriad Autosomal Dominant, Autosomal Recessive and X-Linked Classification Criteria (2023). Collection method: clinical testing. Allele origin: unknown.
Comment: This variant is considered benign. This variant is a silent/synonymous amino acid change and it is not expected to impact splicing.

Ambry Genetics
Classification: Likely benign for Hereditary cancer-predisposing syndrome. Last evaluated: 2024-02-24. Review status: criteria provided, single submitter. Criteria: Ambry Variant Classification Scheme 2023. Collection method: clinical testing. Allele origin: germline.